The following is an entry in ClinVar:

ClinVar aggregate classification (germline): Uncertain significance. Review status: criteria provided, multiple submitters, no conflicts (2 of 4 stars). 2 submissions from 2 submitters: Uncertain significance (2). Last evaluated 2025-04-27.

Conditions:
Gorlin syndrome. Also called: Basal cell nevus syndrome; Nevoid Basal Cell Carcinoma Syndrome. Identifiers: Orphanet 377, MedGen C0004779, MONDO:0007187.
Medulloblastoma (MDB). Also called: Medulloblastoma, somatic; MEDULLOBLASTOMA PREDISPOSITION SYNDROME. Identifiers: Orphanet 616, MedGen C0025149, MeSH D008527, MONDO:0007959, OMIM 155255, HP:0002885.
Hereditary cancer-predisposing syndrome. Also called: Neoplastic Syndromes, Hereditary; Hereditary Cancer Syndrome; Tumor predisposition; Hereditary neoplastic syndrome. Identifiers: Orphanet 140162, MedGen C0027672, MeSH D009386, MONDO:0015356.

Allele frequency attached by ClinVar (database versions not stated): gnomAD exomes below 0.00001; ExAC 0.00001.

Submissions (2):

Labcorp Genetics (formerly Invitae), Labcorp
Classification: Uncertain significance for Gorlin syndrome; Medulloblastoma. Last evaluated: 2025-04-27. Review status: criteria provided, single submitter. Criteria: Invitae Variant Classification Sherloc (09022015). Collection method: clinical testing. Allele origin: germline.
Comment: This sequence change replaces valine, which is neutral and non-polar, with leucine, which is neutral and non-polar, at codon 58 of the SUFU protein (p.Val58Leu). This variant is present in population databases (rs766897671, gnomAD 0.003%). This variant has not been reported in the literature in individuals affected with SUFU-related conditions. ClinVar contains an entry for this variant (Variation ID: 582250). Invitae Evidence Modeling of protein sequence and biophysical properties (such as structural, functional, and spatial information, amino acid conservation, physicochemical variation, residue mobility, and thermodynamic stability) indicates that this missense variant is not expected to disrupt SUFU protein function with a negative predictive value of 80%. In summary, the available evidence is currently insufficient to determine the role of this variant in disease. Therefore, it has been classified as a Variant of Uncertain Significance.

Ambry Genetics
Classification: Uncertain significance for Hereditary cancer-predisposing syndrome. Last evaluated: 2024-09-24. Review status: criteria provided, single submitter. Criteria: Ambry Variant Classification Scheme 2023. Collection method: clinical testing. Allele origin: germline.
Comment: The p.V58L variant (also known as c.172G>C), located in coding exon 1 of the SUFU gene, results from a G to C substitution at nucleotide position 172. The valine at codon 58 is replaced by leucine, an amino acid with highly similar properties. This amino acid position is conserved. In addition, this alteration is predicted to be tolerated by in silico analysis. Since supporting evidence is limited at this time, the clinical significance of this alteration remains unclear.

NM_016169.4(SUFU):c.172G>C (p.Val58Leu)

Gene: SUFU (SUFU negative regulator of hedgehog signaling; plus strand). Cytogenetic location: 10q24.32.
Variant type: single nucleotide variant.
Coding change: c.172G>C on transcript NM_016169.4 (MANE Select); coding-DNA position 172, G replaced by C.
Protein change: p.Val58Leu; replaces valine 58 with leucine.
Molecular consequence: missense variant.
Genome position (GRCh38, 1-based): chr10:102,504,324, G>C. VCF-style: chr10-102504324-G-C. GRCh37 (hg19) VCF-style: chr10-104264081-G-C.
Other names: c.172G>C, p.Val58Leu (NM_001178133.2); short protein forms V58L.
Identifiers: ClinVar variation 582250 (VCV000582250.13), dbSNP rs766897671, ClinGen allele CA5667604.
Genomic context (GRCh38, chr10:102,504,324, plus strand): 5'-TACGGAGAGTGCCGCCGCCTTTACCCTGACCAGCCGAACCCGCTCCAGGTTACCGCTATC[G>C]TCAAGTACTGGTATGCTCTGGGCCGCGGGGAGACGGACAGGCGCGGGCTGGAAAGGGTTA-3'
Protein context (NP_057253.2, residues 48-68): QPNPLQVTAI[Val58Leu]KYWLGGPDPL